The following is an entry in ClinVar:

NM_004380.3(CREBBP):c.3128C>G (p.Ser1043Ter)

Gene: CREBBP (CREB binding lysine acetyltransferase; minus strand). Cytogenetic location: 16p13.3.
Variant type: single nucleotide variant.
Coding change: c.3128C>G on transcript NM_004380.3 (MANE Select); coding-DNA position 3128, C replaced by G.
Protein change: p.Ser1043Ter; replaces serine 1043 with a stop codon.
Molecular consequence: nonsense.
Genome position (GRCh38, 1-based): chr16:3,767,842, G>C on the plus strand (C>G on the coding strand, the complement: CREBBP is on the minus strand). VCF-style: chr16-3767842-G-C. GRCh37 (hg19) VCF-style: chr16-3817843-G-C.
Other names: c.3014C>G, p.Ser1005Ter (NM_001079846.1); short protein forms S1005*, S1043*.
Identifiers: ClinVar variation 3723194 (VCV003723194.2).

ClinVar aggregate classification (germline): Pathogenic (1 of 4 stars; one submission).

Conditions:
Rubinstein-Taybi syndrome (RSTS). Identifiers: Orphanet 783, MedGen C0035934, MONDO:0019188.

Submission:

Labcorp Genetics (formerly Invitae), Labcorp
Classification: Pathogenic for Rubinstein-Taybi syndrome. Last evaluated: 2024-10-17. Review status: criteria provided, single submitter. Criteria: Invitae Variant Classification Sherloc (09022015). Collection method: clinical testing. Allele origin: germline.
Comment: This sequence change creates a premature translational stop signal (p.Ser1043*) in the CREBBP gene. It is expected to result in an absent or disrupted protein product. Loss-of-function variants in CREBBP are known to be pathogenic (PMID: 17052327, 18792986). This variant is not present in population databases (gnomAD no frequency). This variant has not been reported in the literature in individuals affected with CREBBP-related conditions. For these reasons, this variant has been classified as Pathogenic.

Literature cited by the submitters: PubMed 17052327; PubMed 18792986.